The following is an entry in ClinVar:

ClinVar aggregate classification (germline): Uncertain significance (1 of 4 stars; one submission).

Conditions:
Townes syndrome (TBS). Also called: Townes-Brocks syndrome. Identifiers: Orphanet 857, MedGen C0265246, MeSH C536974, MONDO:0007142.

Allele frequency attached by ClinVar (database versions not stated): gnomAD exomes below 0.00001; ExAC 0.00001; TOPMed 0.00001; gnomAD 0.00002.

Submission:

Labcorp Genetics (formerly Invitae), Labcorp
Classification: Uncertain significance for Townes syndrome. Last evaluated: 2024-01-12. Review status: criteria provided, single submitter. Criteria: Invitae Variant Classification Sherloc (09022015). Collection method: clinical testing. Allele origin: germline.
Comment: This sequence change replaces phenylalanine, which is neutral and non-polar, with serine, which is neutral and polar, at codon 676 of the SALL1 protein (p.Phe676Ser). This variant is present in population databases (rs759650758, gnomAD 0.003%). This variant has not been reported in the literature in individuals affected with SALL1-related conditions. Advanced modeling of protein sequence and biophysical properties (such as structural, functional, and spatial information, amino acid conservation, physicochemical variation, residue mobility, and thermodynamic stability) performed at Invitae indicates that this missense variant is expected to disrupt SALL1 protein function with a positive predictive value of 80%. In summary, the available evidence is currently insufficient to determine the role of this variant in disease. Therefore, it has been classified as a Variant of Uncertain Significance.

NM_002968.3(SALL1):c.2027T>C (p.Phe676Ser)

Gene: SALL1 (spalt like transcription factor 1; minus strand). Cytogenetic location: 16q12.1.
Variant type: single nucleotide variant.
Coding change: c.2027T>C on transcript NM_002968.3 (MANE Select); coding-DNA position 2027, T replaced by C.
Protein change: p.Phe676Ser; replaces phenylalanine 676 with serine.
Molecular consequence: missense variant.
Genome position (GRCh38, 1-based): chr16:51,140,195, A>G on the plus strand (T>C on the coding strand, the complement: SALL1 is on the minus strand). VCF-style: chr16-51140195-A-G. GRCh37 (hg19) VCF-style: chr16-51174106-A-G.
Other names: c.1736T>C, p.Phe579Ser (NM_001127892.2); short protein forms F676S, F579S.
Identifiers: ClinVar variation 2911093 (VCV002911093.3), dbSNP rs759650758, ClinGen allele CA8053174.